The following is an entry in ClinVar:

ClinVar aggregate classification (germline): Conflicting classifications of pathogenicity. Review status: criteria provided, conflicting classifications (1 of 4 stars). 5 submissions from 5 submitters: Uncertain significance (2); Likely benign (2). 1 of the submissions does not count toward it. Last evaluated 2026-01-20.

Conditions:
DYNC2H1-related disorder. Also called: DYNC2H1-related disorders; DYNC2H1-related condition. Identifiers: MedGen CN378770.
Jeune thoracic dystrophy. Also called: Jeune syndrome; Infantile thoracic dystrophy; Thoracic pelvic phalangeal dystrophy; Jeune's syndrome; Chondroectodermal dysplasia-like syndrome; Short-rib thoracic dysplasia. Identifiers: Orphanet 474, MedGen C0265275, MONDO:0018770.
Asphyxiating thoracic dystrophy 3. Also called: Saldino-Noonan Syndrome; SHORT-RIB THORACIC DYSPLASIA 3 WITH OR WITHOUT POLYDACTYLY; Short rib polydactyly syndrome 2B; SHORT-RIB THORACIC DYSPLASIA 3/6 WITH POLYDACTYLY, DIGENIC; POLYDACTYLY WITH NEONATAL CHONDRODYSTROPHY, TYPE I. Identifiers: Orphanet 474, Orphanet 93269, Orphanet 93270, Orphanet 93271, MedGen C0036069, MONDO:0013127, OMIM 613091.

Allele frequency attached by ClinVar (database versions not stated): gnomAD exomes 0.00029; ExAC 0.00042; ESP Exome Variant Server 0.00111; gnomAD 0.00121; TOPMed 0.00143; 1000 Genomes Project 0.00180; 1000 Genomes Project 30x 0.00203.
gnomAD v4.1: 338 of 1,610,434 alleles (0.021%); highest among the groups gnomAD compares: African/African-American, 0.37%; no homozygotes.

Submissions (5):

Labcorp Genetics (formerly Invitae), Labcorp
Classification: Likely benign for Jeune thoracic dystrophy. Last evaluated: 2026-01-20. Review status: criteria provided, single submitter. Criteria: Invitae Variant Classification Sherloc (09022015). Collection method: clinical testing. Allele origin: germline.

Blueprint Genetics
Classification: Likely benign. Last evaluated: 2024-09-20. Review status: criteria provided, single submitter. Criteria: ACMG Guidelines, 2015. Collection method: clinical testing. Allele origin: germline.

GeneDx
Classification: Uncertain significance. Last evaluated: 2024-03-20. Review status: criteria provided, single submitter. Criteria: GeneDx Variant Classification Process June 2021. Collection method: clinical testing. Allele origin: germline. Affected: yes.
Comment: In silico analysis supports that this missense variant has a deleterious effect on protein structure/function; Has not been previously published as pathogenic or benign to our knowledge

ARUP Laboratories, Molecular Genetics and Genomics, ARUP Laboratories
Classification: Uncertain significance for Asphyxiating thoracic dystrophy 3. Last evaluated: 2020-10-18. Review status: criteria provided, single submitter. Criteria: ARUP Molecular Germline Variant Investigation Process 2021. Collection method: clinical testing. Allele origin: germline.
Comment: The DYNC2H1 c.10069C>T, p.Arg3357Cys variant (rs149452352), to our knowledge, is not reported in the medical literature but is reported in ClinVar (Variation ID: 695351). This variant is found in the African population with an allele frequency of 0.4% (98/24158 alleles, including zero homozygotes) in the Genome Aggregation Database. The arginine at codon 3357 is highly conserved, but computational analyses are uncertain whether this variant is neutral or deleterious (REVEL: 0.54). Due to limited information, the clinical significance of the p.Arg3357Cys variant is uncertain at this time. Pathogenic variants in DYNC2H1 are associated with autosomal recessive short-rib thoracic dysplasia 3 with or without polydactyly (MIM: 613091).

PreventionGenetics, part of Exact Sciences
Classification: Likely benign for DYNC2H1-related condition. Last evaluated: 2022-06-29. Review status: no assertion criteria provided. Collection method: clinical testing. Allele origin: germline. Not counted in ClinVar's aggregate classification.
Comment: This variant is classified as likely benign based on ACMG/AMP sequence variant interpretation guidelines (Richards et al. 2015 PMID: 25741868, with internal and published modifications).

NM_001377.3(DYNC2H1):c.10048C>T (p.Arg3350Cys)

Gene: DYNC2H1 (dynein cytoplasmic 2 heavy chain 1; plus strand). Cytogenetic location: 11q22.3.
Variant type: single nucleotide variant.
Coding change: c.10048C>T on transcript NM_001377.3 (MANE Select); coding-DNA position 10048, C replaced by T.
Protein change: p.Arg3350Cys; replaces arginine 3350 with cysteine.
Molecular consequence: missense variant.
Genome position (GRCh38, 1-based): chr11:103,253,290, C>T. VCF-style: chr11-103253290-C-T. GRCh37 (hg19) VCF-style: chr11-103124019-C-T.
Other names: c.10069C>T, p.Arg3357Cys (NM_001080463.2); short protein forms R3357C, R3350C.
Identifiers: ClinVar variation 695351 (VCV000695351.18), dbSNP rs149452352, ClinGen allele CA6254878.